The following is an entry in ClinVar:

NM_000548.5(TSC2):c.4223G>T (p.Gly1408Val)

Gene: TSC2 (TSC complex subunit 2; plus strand). Cytogenetic location: 16p13.3.
Variant type: single nucleotide variant.
Coding change: c.4223G>T on transcript NM_000548.5 (MANE Select); coding-DNA position 4223, G replaced by T.
Protein change: p.Gly1408Val; replaces glycine 1408 with valine.
Molecular consequence: missense variant.
Genome position (GRCh38, 1-based): chr16:2,084,445, G>T. VCF-style: chr16-2084445-G-T. GRCh37 (hg19) VCF-style: chr16-2134446-G-T.
Other names: p.G1408V:GGC>GTC; c.4022G>T, p.Gly1341Val (NM_001077183.3); c.4154G>T, p.Gly1385Val (NM_001114382.3); c.3914G>T, p.Gly1305Val (NM_001318827.2); c.3878G>T, p.Gly1293Val (NM_001318829.2); c.3491G>T, p.Gly1164Val (NM_001318831.2); c.4055G>T, p.Gly1352Val (NM_001318832.2); c.4025G>T, p.Gly1342Val (NM_001363528.2); and 3 more; short protein forms G1408V, G1164V, G1305V, G1341V, G1342V, G1352V, G1365V, G1293V.
Identifiers: ClinVar variation 207753 (VCV000207753.90), dbSNP rs202068995, ClinGen allele CA050682.

ClinVar aggregate classification (germline): Conflicting classifications of pathogenicity. Review status: criteria provided, conflicting classifications (1 of 4 stars). 14 submissions from 14 submitters: Uncertain significance (4); Benign (5); Likely benign (5). Last evaluated 2026-01-29.

Conditions:
Tuberous sclerosis syndrome (TSC). Also called: Tuberous Sclerosis Complex; Tuberous sclerosis. Identifiers: Orphanet 805, MedGen C0041341, MONDO:0001734.
TSC2-related disorder. Also called: TSC2-Related Disorders; TSC2-related condition.
Hereditary cancer-predisposing syndrome. Also called: Tumor predisposition; Neoplastic Syndromes, Hereditary; Hereditary Cancer Syndrome; Hereditary neoplastic syndrome. Identifiers: Orphanet 140162, MedGen C0027672, MeSH D009386, MONDO:0015356.
Tuberous sclerosis 2 (TSC2). Identifiers: Orphanet 805, MedGen C1860707, MONDO:0013199, OMIM 613254.

Allele frequency attached by ClinVar (database versions not stated): ExAC 0.00011; gnomAD 0.00025; TOPMed 0.00006; gnomAD exomes 0.00007 and 0.00008.
gnomAD v4.1: 122 of 1,609,028 alleles (0.0076%); highest among the groups gnomAD compares: Non-Finnish European, 0.0081%; no homozygotes.

Submissions (14):

Labcorp Genetics (formerly Invitae), Labcorp
Classification: Benign for Tuberous sclerosis 2. Last evaluated: 2026-01-29. Review status: criteria provided, single submitter. Criteria: Invitae Variant Classification Sherloc (09022015). Collection method: clinical testing. Allele origin: germline.

Quest Diagnostics Nichols Institute San Juan Capistrano
Classification: Likely benign. Last evaluated: 2025-11-03. Review status: criteria provided, single submitter. Criteria: Quest Diagnostics criteria. Collection method: clinical testing. Allele origin: unknown.

Myriad Genetics, Inc.
Classification: Likely benign for Tuberous sclerosis 2. Last evaluated: 2025-06-03. Review status: criteria provided, single submitter. Criteria: Myriad Autosomal Dominant, Autosomal Recessive and X-Linked Classification Criteria (2023). Collection method: clinical testing. Allele origin: unknown.
Comment: This variant is considered likely benign. This variant has been observed at a population frequency that is significantly greater than expected given the associated disease prevalence and penetrance.

CeGaT Center for Human Genetics Tuebingen
Classification: Uncertain significance. Last evaluated: 2025-06-01. Review status: criteria provided, single submitter. Criteria: CeGaT Center For Human Genetics Tuebingen Variant Classification Criteria Version 2. Collection method: clinical testing. Allele origin: germline. Affected: yes. Observed: 2 variant alleles.

PreventionGenetics, part of Exact Sciences
Classification: Benign for TSC2-related condition. Last evaluated: 2025-04-26. Review status: criteria provided, single submitter. Criteria: ACMG Guidelines, 2015. Collection method: clinical testing. Allele origin: germline.
Comment: This variant is classified as benign based on ACMG/AMP sequence variant interpretation guidelines (Richards et al. 2015 PMID: 25741868, with internal and published modifications).

Laboratory of Genetics, Children's Clinical University Hospital Latvia
Classification: Benign. Last evaluated: 2025-02-16. Review status: criteria provided, single submitter. Criteria: ACMG Guidelines, 2015. Collection method: clinical testing. Allele origin: germline. Affected: yes.

All of Us Research Program, National Institutes of Health
Classification: Uncertain significance for Tuberous sclerosis syndrome. Last evaluated: 2024-07-29. Review status: criteria provided, single submitter. Criteria: ACMG Guidelines, 2015. Collection method: clinical testing. Allele origin: germline. Inheritance: Autosomal dominant inheritance. Observed: 23 variant alleles, 23 heterozygotes.
Comment: This missense variant replaces glycine with valine at codon 1408 of the TSC2 protein. Computational prediction is inconclusive regarding the impact of this variant on protein structure and function (internally defined REVEL score threshold 0.5 < inconclusive < 0.7, PMID: 27666373). To our knowledge, functional studies have not been reported for this variant. This variant has not been reported in individuals affected with tuberous sclerosis complex in the literature. This variant has been identified in 26/271132 chromosomes in the general population by the Genome Aggregation Database (gnomAD). The available evidence is insufficient to determine the role of this variant in disease conclusively. Therefore, this variant is classified as a Variant of Uncertain Significance.

This study involves interpretation of variants in research participants for the purpose of population health screening. Participant phenotype was not available at the time of variant classification. Additional details can be found in publication PMID: 35346344, PMCID: PMC8962531

Blueprint Genetics
Classification: Likely benign. Last evaluated: 2024-07-19. Review status: criteria provided, single submitter. Criteria: ACMG Guidelines, 2015. Collection method: clinical testing. Allele origin: germline.

Color Diagnostics, LLC DBA Color Health
Classification: Uncertain significance for Tuberous sclerosis syndrome. Last evaluated: 2024-06-26. Review status: criteria provided, single submitter. Criteria: ACMG Guidelines, 2015. Collection method: clinical testing. Allele origin: germline.
Comment: This missense variant replaces glycine with valine at codon 1408 of the TSC2 protein. Computational prediction is inconclusive regarding the impact of this variant on protein structure and function. To our knowledge, functional studies have not been reported for this variant. This variant has not been reported in individuals affected with tuberous sclerosis complex in the literature. This variant has been identified in 26/271132 chromosomes in the general population by the Genome Aggregation Database (gnomAD). The available evidence is insufficient to determine the role of this variant in disease conclusively. Therefore, this variant is classified as a Variant of Uncertain Significance.

Genome-Nilou Lab
Classification: Benign for Tuberous sclerosis 2. Last evaluated: 2021-11-07. Review status: criteria provided, single submitter. Criteria: ACMG Guidelines, 2015. Collection method: clinical testing. Allele origin: germline. Affected: no.

Sema4
Classification: Likely benign for Hereditary cancer-predisposing syndrome. Last evaluated: 2021-03-22. Review status: criteria provided, single submitter. Criteria: Sema4 Curation Guidelines. Collection method: curation. Allele origin: germline.

GeneDx
Classification: Likely benign. Last evaluated: 2020-03-25. Review status: criteria provided, single submitter. Criteria: GeneDx Variant Classification Process June 2021. Collection method: clinical testing. Allele origin: germline. Affected: yes.

Athena Diagnostics
Classification: Uncertain significance. Last evaluated: 2018-08-22. Review status: criteria provided, single submitter. Criteria: Athena Diagnostics Criteria. Collection method: clinical testing. Allele origin: germline.

Ambry Genetics
Classification: Benign for Hereditary cancer-predisposing syndrome. Last evaluated: 2018-08-01. Review status: criteria provided, single submitter. Criteria: Ambry Variant Classification Scheme 2023. Collection method: clinical testing. Allele origin: germline.